The following is an entry in ClinVar:

ClinVar aggregate classification (germline): Likely benign. Review status: criteria provided, multiple submitters, no conflicts (2 of 4 stars). 3 submissions from 3 submitters: Likely benign (3). Last evaluated 2023-03-01.

Allele frequency attached by ClinVar (database versions not stated): 1000 Genomes Project 30x 0.00031; TOPMed 0.00237.
gnomAD v4.1: 6,177 of 1,614,046 alleles (0.38%); highest among the groups gnomAD compares: Non-Finnish European, 0.49%; 16 homozygotes.

Submissions (3):

CeGaT Center for Human Genetics Tuebingen
Classification: Likely benign. Last evaluated: 2023-03-01. Review status: criteria provided, single submitter. Criteria: CeGaT Center For Human Genetics Tuebingen Variant Classification Criteria Version 2. Collection method: clinical testing. Allele origin: germline. Affected: yes. Observed: 1 variant allele.
Comment: GPNMB: BS2

Labcorp Genetics (formerly Invitae), Labcorp
Classification: Likely benign. Last evaluated: 2018-07-06. Review status: criteria provided, single submitter. Criteria: Invitae Variant Classification Sherloc (09022015). Collection method: clinical testing. Allele origin: germline.

Breakthrough Genomics
Classification: Likely benign. Review status: criteria provided, single submitter. Criteria: ACMG Guidelines, 2015. Collection method: not provided. Allele origin: germline. Inheritance: Autosomal recessive inheritance. Affected: yes.

NM_002510.3(GPNMB):c.591C>G (p.Asn197Lys)

Gene: GPNMB (glycoprotein nmb; plus strand). Cytogenetic location: 7p15.3.
Variant type: single nucleotide variant.
Coding change: c.591C>G on transcript NM_002510.3 (MANE Select); coding-DNA position 591, C replaced by G.
Protein change: p.Asn197Lys; replaces asparagine 197 with lysine.
Molecular consequence: missense variant.
Genome position (GRCh38, 1-based): chr7:23,260,029, C>G. VCF-style: chr7-23260029-C-G. GRCh37 (hg19) VCF-style: chr7-23299648-C-G.
Other names: c.591C>G, p.Asn197Lys (NM_001005340.2); short protein forms N197K.
Identifiers: ClinVar variation 718718 (VCV000718718.28), dbSNP rs17147995, ClinGen allele CA4187453.